The following is an entry in ClinVar:

NM_000051.4(ATM):c.5115T>C (p.Asp1705=)

Gene: ATM (ATM serine/threonine kinase; plus strand). Cytogenetic location: 11q22.3.
Variant type: single nucleotide variant.
Coding change: c.5115T>C on transcript NM_000051.4 (MANE Select); coding-DNA position 5115, T replaced by C.
Protein change: p.Asp1705=; no amino-acid change (aspartic acid 1705 retained).
Molecular consequence: synonymous variant.
Genome position (GRCh38, 1-based): chr11:108,299,823, T>C. VCF-style: chr11-108299823-T-C. GRCh37 (hg19) VCF-style: chr11-108170550-T-C.
Other names: c.5115T>C, p.Asp1705= (NM_001351834.2).
Identifiers: ClinVar variation 230652 (VCV000230652.17), dbSNP rs876658685, ClinGen allele CA10579171.

ClinVar aggregate classification (germline): Benign/Likely benign. Review status: criteria provided, multiple submitters, no conflicts (2 of 4 stars). 4 submissions from 4 submitters: Benign (1); Likely benign (3). Last evaluated 2024-05-22.

Conditions:
Hereditary cancer-predisposing syndrome. Also called: Hereditary Cancer Syndrome; Neoplastic Syndromes, Hereditary; Tumor predisposition; Hereditary neoplastic syndrome. Identifiers: Orphanet 140162, MedGen C0027672, MeSH D009386, MONDO:0015356.
Familial cancer of breast. Also called: Hereditary breast cancer; hereditary breast carcinoma; BREAST CANCER, FAMILIAL. Identifiers: Orphanet 227535, MedGen C0346153, MONDO:0016419, OMIM 114480. Disease mechanism: loss of function.
Ataxia-telangiectasia syndrome (AT). Also called: Ataxia telangiectasia (A-T); Ataxia-telangiectasia, complementation group E; LOUIS-BAR SYNDROME; Cerebello-oculocutaneous telangiectasia; Immunodeficiency with ataxia telangiectasia; Ataxia-telangiectasia, complementation group D. Identifiers: Orphanet 100, MedGen C0004135, MONDO:0008840, OMIM 208900.

Submissions (4):

Myriad Genetics, Inc.
Classification: Benign for Familial cancer of breast. Last evaluated: 2024-05-22. Review status: criteria provided, single submitter. Criteria: Myriad Autosomal Dominant, Autosomal Recessive and X-Linked Classification Criteria (2023). Collection method: clinical testing. Allele origin: unknown.
Comment: This variant is considered benign. This variant is a silent/synonymous amino acid change and it is not expected to impact splicing.

Labcorp Genetics (formerly Invitae), Labcorp
Classification: Likely benign for Ataxia-telangiectasia syndrome. Last evaluated: 2019-09-12. Review status: criteria provided, single submitter. Criteria: Invitae Variant Classification Sherloc (09022015). Collection method: clinical testing. Allele origin: germline.

Color Diagnostics, LLC DBA Color Health
Classification: Likely benign for Hereditary cancer-predisposing syndrome. Last evaluated: 2019-07-26. Review status: criteria provided, single submitter. Criteria: ACMG Guidelines, 2015. Collection method: clinical testing. Allele origin: germline.

Ambry Genetics
Classification: Likely benign for Hereditary cancer-predisposing syndrome. Last evaluated: 2015-02-26. Review status: criteria provided, single submitter. Criteria: Ambry Variant Classification Scheme 2023. Collection method: clinical testing. Allele origin: germline.